The following is an entry in ClinVar:

ClinVar aggregate classification (germline): Uncertain significance (1 of 4 stars; one submission).

Allele frequency attached by ClinVar (database versions not stated): gnomAD exomes below 0.00001; TOPMed below 0.00001.
gnomAD v4.1: 2 of 1,614,138 alleles (0.00012%); highest among the groups gnomAD compares: Middle Eastern, 0.016%; no homozygotes.

Submission:

Labcorp Genetics (formerly Invitae), Labcorp
Classification: Uncertain significance. Last evaluated: 2025-04-23. Review status: criteria provided, single submitter. Criteria: Invitae Variant Classification Sherloc (09022015). Collection method: clinical testing. Allele origin: germline.
Comment: This sequence change replaces serine, which is neutral and polar, with proline, which is neutral and non-polar, at codon 70 of the KANK1 protein (p.Ser70Pro). This variant is present in population databases (no rsID available, gnomAD 0.003%). This variant has not been reported in the literature in individuals affected with KANK1-related conditions. ClinVar contains an entry for this variant (Variation ID: 2181601). An algorithm developed to predict the effect of missense changes on protein structure and function outputs the following: PolyPhen-2: "Benign". The proline amino acid residue is found in multiple mammalian species, which suggests that this missense change does not adversely affect protein function. In summary, the available evidence is currently insufficient to determine the role of this variant in disease. Therefore, it has been classified as a Variant of Uncertain Significance.

NM_015158.5(KANK1):c.208T>C (p.Ser70Pro)

Gene: KANK1 (KN motif and ankyrin repeat domains 1; plus strand). Cytogenetic location: 9p24.3.
Variant type: single nucleotide variant.
Coding change: c.208T>C on transcript NM_015158.5 (MANE Select); coding-DNA position 208, T replaced by C.
Protein change: p.Ser70Pro; replaces serine 70 with proline.
Molecular consequence: missense variant. On other transcripts: 5 prime UTR variant (12), non-coding transcript variant (1).
Genome position (GRCh38, 1-based): chr9:710,974, T>C. VCF-style: chr9-710974-T-C. GRCh37 (hg19) VCF-style: chr9-710974-T-C.
Other names: c.208T>C, p.Ser70Pro (NM_001256876.3, NM_001256877.3, NM_001354331.2 and 2 more transcripts); c.-267T>C (NM_001354333.2, NM_001354335.2, NM_001354336.2 and 9 more transcripts); short protein forms S70P.
Identifiers: ClinVar variation 2181601 (VCV002181601.4), dbSNP rs1470266738, ClinGen allele CA372745699.
Genomic context (GRCh38, chr9:710,974, plus strand): 5'-GATGACATACAGAAGGGAAATACCATCAAAAGACTGAACATCCAGAAGAGGCGGAAGCCG[T>C]CCGTGCCATGCCCAGAACCCAGGACCACATCTGGTCAGCAAGGTATATGGACTTCCACTG-3'
Protein context (NP_055973.2, residues 60-80): RLNIQKRRKP[Ser70Pro]VPCPEPRTTS